The following is an entry in ClinVar:

NM_018834.6(MATR3):c.2237A>G (p.Glu746Gly)

Gene: MATR3 (matrin 3; plus strand). Cytogenetic location: 5q31.2.
Variant type: single nucleotide variant.
Coding change: c.2237A>G on transcript NM_018834.6 (MANE Select); coding-DNA position 2237, A replaced by G.
Protein change: p.Glu746Gly; replaces glutamic acid 746 with glycine.
Molecular consequence: missense variant.
Genome position (GRCh38, 1-based): chr5:139,325,528, A>G. VCF-style: chr5-139325528-A-G. GRCh37 (hg19) VCF-style: chr5-138661217-A-G.
Other names: c.2237A>G, p.Glu746Gly (NM_001194954.2, NM_001194955.2, NM_001400447.1 and 11 more transcripts); c.1373A>G, p.Glu458Gly (NM_001194956.2); c.1223A>G, p.Glu408Gly (NM_001282278.2, NM_001400462.1, NM_001400463.1 and 4 more transcripts); c.2381A>G, p.Glu794Gly (NM_001400441.1, NM_001400442.1, NM_001400443.1 and 2 more transcripts); c.1376A>G, p.Glu459Gly (NM_001400459.1); c.1367A>G, p.Glu456Gly (NM_001400460.1); c.1337A>G, p.Glu446Gly (NM_001400461.1); short protein forms E446G, E458G, E459G, E794G, E746G, E408G, E456G.
Identifiers: ClinVar variation 2972438 (VCV002972438.3), dbSNP rs2546883989, ClinGen allele CA361146289.
Genomic context (GRCh38, chr5:139,325,528, plus strand): 5'-AAAACGAAGCAGCGTTGGAAAATGGAATTAAAAATGAGGAAAACACAGAACCAGGTGCTG[A>G]ATCTTCTGAGAACGCTGATGATCCCAACAAAGATACAAGTGAAAACGCAGATGGTCAAAG-3'
Protein context (NP_061322.2, residues 736-756): KNEENTEPGA[Glu746Gly]SSENADDPNK

ClinVar aggregate classification (germline): Uncertain significance (1 of 4 stars; one submission).

Conditions:
Amyotrophic lateral sclerosis type 21. Also called: MYOPATHY, DISTAL, 2; VOCAL CORD AND PHARYNGEAL DYSFUNCTION WITH DISTAL MYOPATHY. Identifiers: Orphanet 600, Orphanet 803, MedGen C3807521, MONDO:0011632, OMIM 606070.

Submission:

Labcorp Genetics (formerly Invitae), Labcorp
Classification: Uncertain significance for Amyotrophic lateral sclerosis type 21. Last evaluated: 2024-09-01. Review status: criteria provided, single submitter. Criteria: Invitae Variant Classification Sherloc (09022015). Collection method: clinical testing. Allele origin: germline.
Comment: This sequence change replaces glutamic acid, which is acidic and polar, with glycine, which is neutral and non-polar, at codon 746 of the MATR3 protein (p.Glu746Gly). This variant is not present in population databases (gnomAD no frequency). This variant has not been reported in the literature in individuals affected with MATR3-related conditions. Invitae Evidence Modeling of protein sequence and biophysical properties (such as structural, functional, and spatial information, amino acid conservation, physicochemical variation, residue mobility, and thermodynamic stability) indicates that this missense variant is not expected to disrupt MATR3 protein function with a negative predictive value of 80%. In summary, the available evidence is currently insufficient to determine the role of this variant in disease. Therefore, it has been classified as a Variant of Uncertain Significance.